The following is an entry in ClinVar:

ClinVar aggregate classification (germline): Uncertain significance (1 of 4 stars; one submission).

Conditions:
Inborn genetic diseases. Identifiers: MedGen C0950123, MeSH D030342.

Submission:

Ambry Genetics
Classification: Uncertain significance for Inborn genetic diseases. Last evaluated: 2026-08-23. Review status: criteria provided, single submitter. Criteria: Ambry Variant Classification Scheme 2023. Collection method: clinical testing. Allele origin: germline.
Comment: The p.Q1140K variant (also known as c.3418C>A), located in coding exon 24 of the ANKRD26 gene, results from a C to A substitution at nucleotide position 3418. The glutamine at codon 1140 is replaced by lysine, an amino acid with similar properties. This amino acid position is conserved. In addition, this alteration is predicted to be tolerated by in silico analysis. Based on the available evidence, the clinical significance of this variant remains unclear.

NM_014915.3(ANKRD26):c.3418C>A (p.Gln1140Lys)

Gene: ANKRD26 (ankyrin repeat domain 26; minus strand). Cytogenetic location: 10p12.1.
Variant type: single nucleotide variant.
Coding change: c.3418C>A on transcript NM_014915.3 (MANE Select); coding-DNA position 3418, C replaced by A.
Protein change: p.Gln1140Lys; replaces glutamine 1140 with lysine.
Molecular consequence: missense variant.
Genome position (GRCh38, 1-based): chr10:27,035,032, G>T on the plus strand (C>A on the coding strand, the complement: ANKRD26 is on the minus strand). VCF-style: chr10-27035032-G-T. GRCh37 (hg19) VCF-style: chr10-27323961-G-T.
Other names: c.3415C>A, p.Gln1139Lys (NM_001256053.2); short protein forms Q1140K, Q1139K.
Identifiers: ClinVar variation 5023608 (VCV005023608.1).